The following is an entry in ClinVar:

NM_001040108.2(MLH3):c.470T>C (p.Val157Ala)

Gene: MLH3 (mutL homolog 3; minus strand). Cytogenetic location: 14q24.3.
Variant type: single nucleotide variant.
Coding change: c.470T>C on transcript NM_001040108.2 (MANE Select); coding-DNA position 470, T replaced by C.
Protein change: p.Val157Ala; replaces valine 157 with alanine.
Molecular consequence: missense variant.
Genome position (GRCh38, 1-based): chr14:75,049,186, A>G on the plus strand (T>C on the coding strand, the complement: MLH3 is on the minus strand). VCF-style: chr14-75049186-A-G. GRCh37 (hg19) VCF-style: chr14-75515889-A-G.
Other names: c.470T>C, p.Val157Ala (NM_014381.3); short protein forms V157A.
Identifiers: ClinVar variation 1013839 (VCV001013839.12), dbSNP rs1892490042, ClinGen allele CA390450123.
Genomic context (GRCh38, chr14:75,049,186, plus strand): 5'-GCTTCTATTCTCTGCCTAACCTTCTCAAACTCCAGTCTAGGGTCCATGCATTTCCTCCTT[A>G]CAGGAAGCTGGTAAAATAGGTTATACACTGTTACAGTAGTCCCAGCGCTTGCTCTAGTCA-3'
Protein context (NP_001035197.1, residues 147-167): TVYNLFYQLP[Val157Ala]RRKCMDPRLE

ClinVar aggregate classification (germline): Uncertain significance. Review status: criteria provided, multiple submitters, no conflicts (2 of 4 stars). 3 submissions from 3 submitters: Uncertain significance (3). Last evaluated 2024-02-28.

Conditions:
Endometrial carcinoma. Also called: Endometrial carcinoma, somatic. Identifiers: MedGen C0476089, MONDO:0002447, OMIM 608089, HP:0012114.
Colorectal cancer. Also called: Colorectal cancer, somatic; Malignant Colorectal Neoplasm. Identifiers: MedGen C0346629, MONDO:0005575, OMIM 114500.
Colorectal cancer, hereditary nonpolyposis, type 7. Identifiers: Orphanet 144, MedGen C1858380, MONDO:0013725, OMIM 614385.

Allele frequency attached by ClinVar (database versions not stated): gnomAD exomes below 0.00001.
gnomAD v4.1: 2 of 1,614,198 alleles (0.00012%); highest among the groups gnomAD compares: Middle Eastern, 0.033%; no homozygotes.

Submissions (3):

Fulgent Genetics
Classification: Uncertain significance for Colorectal cancer; Endometrial carcinoma; Colorectal cancer, hereditary nonpolyposis, type 7. Last evaluated: 2024-02-28. Review status: criteria provided, single submitter. Criteria: ACMG Guidelines, 2015. Collection method: clinical testing. Allele origin: germline.

Ambry Genetics
Classification: Uncertain significance. Last evaluated: 2023-11-16. Review status: criteria provided, single submitter. Criteria: Ambry Variant Classification Scheme 2023. Collection method: clinical testing. Allele origin: germline.
Comment: The p.V157A variant (also known as c.470T>C), located in coding exon 1 of the MLH3 gene, results from a T to C substitution at nucleotide position 470. The valine at codon 157 is replaced by alanine, an amino acid with similar properties. This amino acid position is highly conserved in available vertebrate species. In addition, this alteration is predicted to be deleterious by in silico analysis. Since supporting evidence is limited at this time, the clinical significance of this alteration remains unclear.

Labcorp Genetics (formerly Invitae), Labcorp
Classification: Uncertain significance for Colorectal cancer, hereditary nonpolyposis, type 7. Last evaluated: 2022-09-06. Review status: criteria provided, single submitter. Criteria: Invitae Variant Classification Sherloc (09022015). Collection method: clinical testing. Allele origin: germline.
Comment: In summary, the available evidence is currently insufficient to determine the role of this variant in disease. Therefore, it has been classified as a Variant of Uncertain Significance. Algorithms developed to predict the effect of missense changes on protein structure and function are either unavailable or do not agree on the potential impact of this missense change (SIFT: "Deleterious"; PolyPhen-2: "Possibly Damaging"; Align-GVGD: "Class C0"). ClinVar contains an entry for this variant (Variation ID: 1013839). This variant has not been reported in the literature in individuals affected with MLH3-related conditions. This variant is not present in population databases (gnomAD no frequency). This sequence change replaces valine, which is neutral and non-polar, with alanine, which is neutral and non-polar, at codon 157 of the MLH3 protein (p.Val157Ala).